The following is an entry in ClinVar:

ClinVar aggregate classification (germline): Uncertain significance (1 of 4 stars; one submission).

Conditions:
Inborn genetic diseases. Identifiers: MedGen C0950123, MeSH D030342.

Submission:

Ambry Genetics
Classification: Uncertain significance for Inborn genetic diseases. Last evaluated: 2025-02-05. Review status: criteria provided, single submitter. Criteria: Ambry Variant Classification Scheme 2023. Collection method: clinical testing. Allele origin: germline.
Comment: The p.P259L variant (also known as c.776C>T), located in coding exon 8 of the FANCA gene, results from a C to T substitution at nucleotide position 776. The proline at codon 259 is replaced by leucine, an amino acid with similar properties. This amino acid position is conserved. In addition, this alteration is predicted to be tolerated by in silico analysis. Based on the available evidence, the clinical significance of this variant remains unclear.

NM_000135.4(FANCA):c.776C>T (p.Pro259Leu)

Gene: FANCA (FA complementation group A; minus strand). Cytogenetic location: 16q24.3.
Variant type: single nucleotide variant.
Coding change: c.776C>T on transcript NM_000135.4 (MANE Select); coding-DNA position 776, C replaced by T.
Protein change: p.Pro259Leu; replaces proline 259 with leucine.
Molecular consequence: missense variant.
Genome position (GRCh38, 1-based): chr16:89,803,275, G>A on the plus strand (C>T on the coding strand, the complement: FANCA is on the minus strand). VCF-style: chr16-89803275-G-A. GRCh37 (hg19) VCF-style: chr16-89869683-G-A.
Other names: c.776C>T, p.Pro259Leu (NM_001018112.3, NM_001286167.3); c.680C>T, p.Pro227Leu (NM_001351830.2); short protein forms P259L, P227L.
Identifiers: ClinVar variation 3848194 (VCV003848194.1).